The following is an entry in ClinVar:

NM_004928.3(CFAP410):c.537G>C (p.Glu179Asp)

Gene: CFAP410 (cilia and flagella associated protein 410; minus strand). Cytogenetic location: 21q22.3.
Variant type: single nucleotide variant.
Coding change: c.537G>C on transcript NM_004928.3 (MANE Select); coding-DNA position 537, G replaced by C.
Protein change: p.Glu179Asp; replaces glutamic acid 179 with aspartic acid.
Molecular consequence: missense variant.
Genome position (GRCh38, 1-based): chr21:44,331,851, C>G on the plus strand (G>C on the coding strand, the complement: CFAP410 is on the minus strand). VCF-style: chr21-44331851-C-G. GRCh37 (hg19) VCF-style: chr21-45751734-C-G.
Other names: c.537G>C, p.Glu179Asp (NM_001271440.2, NM_001271441.2); c.414G>C, p.Glu138Asp (NM_001271442.1); short protein forms E179D, E138D.
Identifiers: ClinVar variation 1973270 (VCV001973270.5), dbSNP rs1311105379, ClinGen allele CA410453354.

ClinVar aggregate classification (germline): Uncertain significance (1 of 4 stars; one submission).

Submission:

Labcorp Genetics (formerly Invitae), Labcorp
Classification: Uncertain significance. Last evaluated: 2022-08-05. Review status: criteria provided, single submitter. Criteria: Invitae Variant Classification Sherloc (09022015). Collection method: clinical testing. Allele origin: germline.
Comment: This variant has not been reported in the literature in individuals affected with CFAP410-related conditions. This variant is not present in population databases (gnomAD no frequency). This sequence change replaces glutamic acid, which is acidic and polar, with aspartic acid, which is acidic and polar, at codon 179 of the CFAP410 protein (p.Glu179Asp). In summary, the available evidence is currently insufficient to determine the role of this variant in disease. Therefore, it has been classified as a Variant of Uncertain Significance. Algorithms developed to predict the effect of missense changes on protein structure and function output the following: SIFT: "Tolerated"; PolyPhen-2: "Benign"; Align-GVGD: "Class C0". The aspartic acid amino acid residue is found in multiple mammalian species, which suggests that this missense change does not adversely affect protein function.